The following is an entry in ClinVar:

ClinVar aggregate classification (germline): Likely pathogenic (1 of 4 stars; one submission).

Conditions:
Familial intrahepatic cholestasis. Identifiers: Orphanet 284385, MedGen CN296401, MONDO:0017290.

Submission:

Genomenon, Inc
Classification: Likely pathogenic for Familial intrahepatic cholestasis. Last evaluated: 2026-04-14. Review status: criteria provided, single submitter. Criteria: Genomenon Sequence Variant Interpretation Standards - Updated. Collection method: curation. Allele origin: germline. Affected: yes.
Comment: ATP8B1 p.Tyr1209LeufsTer29 (c.3617_3623dup) is a frameshift variant that results in the production of a truncated protein. This variant has been observed in at least one proband with features of ATP8B1-deficiency (PMID:20232290). It has been observed in trans with a pathogenic or likely pathogenic variant (PMID:20232290). It is absent or not present at a significant frequency in gnomAD. In conclusion, we classify ATP8B1 p.Tyr1209LeufsTer29 (c.3617_3623dup) as a likely pathogenic variant.

Literature cited by the submitters: PubMed 20232290.

NM_001374385.1(ATP8B1):c.3617_3623dup (p.Tyr1209fs)

Genes: ATP8B1-AS1 (ATP8B1 antisense RNA 1; plus strand), ATP8B1 (ATPase phospholipid transporting 8B1; minus strand). Cytogenetic location: 18q21.31.
Variant type: Duplication.
Coding change: c.3617_3623dup on transcript NM_001374385.1 (MANE Select); coding-DNA positions 3617 to 3623, 7 bases duplicated (GCTCGGC; older notation c.3617_3623dupGCTCGGC).
Protein change: p.Tyr1209fs; shifts the reading frame from tyrosine 1209.
Molecular consequence: frameshift variant.
Genome position (GRCh38, 1-based): chr18:57,648,621-57,648,627, GCCGAGC duplicated on the plus strand (GCTCGGC on the coding strand, the reverse complement: ATP8B1 is on the minus strand); duplicating any 7 consecutive bases within chr18:57,648,621-57,648,631 gives the same sequence; the c. name uses the placement nearest the transcript's 3' end. VCF-style (leftmost placement, unchanged base first): chr18-57648620-G-GGCCGAGC. GRCh37 (hg19) VCF-style: chr18-55315852-G-GGCCGAGC.
Other names: c.3467_3473dup, p.Tyr1159fs (NM_001374386.1); c.3617_3623dup, p.Tyr1209fs (NM_005603.6); short protein forms Y1159fs, Y1209fs.
Identifiers: ClinVar variation 4846312 (VCV004846312.1).